The following is an entry in ClinVar:

NM_001384140.1(PCDH15):c.4671+1533del

Gene: PCDH15 (protocadherin related 15; minus strand). Cytogenetic location: 10q21.1.
Variant type: Deletion.
Coding change: c.4671+1533del on transcript NM_001384140.1 (MANE Select); 1533 bases into the intron after coding-DNA position 4671, one base deleted (G; older notation c.4671+1533delG).
Molecular consequence: intron variant. On other transcripts: frameshift variant (2), 3 prime UTR variant (1).
Genome position (GRCh38, 1-based): chr10:53,809,023, C deleted on the plus strand (G on the coding strand, the reverse complement: PCDH15 is on the minus strand); the first of 3 consecutive C bases (chr10:53,809,023-53,809,025); deleting any one gives the same sequence. VCF-style (leftmost placement, unchanged base first): chr10-53809022-AC-A. GRCh37 (hg19) VCF-style: chr10-55568782-AC-A.
Other names: c.5040delG, p.Gly1681Valfs (NM_001142769.4); c.*457del (NM_001142770.3); c.5021del, p.Gly1674fs (NM_001354411.2); c.4476+1533del (NM_001354420.2); c.4605+1533del (NM_001354429.2); c.4482+1533del (NM_001142772.2); c.4497+1533del (NM_001142771.2); short protein forms G1674fs, G1681fs.
Identifiers: ClinVar variation 4987443 (VCV004987443.1).

ClinVar aggregate classification (germline): Uncertain significance (1 of 4 stars; one submission).

Conditions:
PCDH15-related disorder. Also called: PCDH15-related condition; PCDH15-related disorders.

Submission:

PreventionGenetics, part of Exact Sciences
Classification: Uncertain significance for PCDH15-related condition. Last evaluated: 2026-01-23. Review status: criteria provided, single submitter. Criteria: ACMG Guidelines, 2015. Collection method: clinical testing. Allele origin: germline.
Comment: The PCDH15 c.5042delG variant is predicted to result in a frameshift and premature protein termination (p.Gly1681Valfs*139). This variant occurs in the last exon of the biologically relevant transcript for hearing loss (NM_001142769). While a single truncating variant in this exon (c.4542dup, p.Pro1515Thrfs*4) has been reported to segregate with autosomal recessive hearing loss in three affected and four unaffected individuals from two families (Pepermans et al. 2014. PubMed ID: 24940003), no truncating variants downstream of this position have been convincingly associated with disease. To our knowledge, this variant has not been reported in the literature or in a large population database (gnomAD), indicating this variant is rare. At this time, the clinical significance of this variant is uncertain due to the absence of conclusive functional and genetic evidence.